The following is an entry in ClinVar:

ClinVar aggregate classification (germline): Uncertain significance. Review status: criteria provided, multiple submitters, no conflicts (2 of 4 stars). 5 submissions from 4 submitters: Uncertain significance (5). Last evaluated 2025-12-21.

Conditions:
Familial spontaneous pneumothorax (PSP). Identifiers: Orphanet 2903, MedGen C1868193, MONDO:0008259, OMIM 173600.
Birt-Hogg-Dube syndrome. Also called: Birt Hogg Dubé syndrome. Identifiers: Orphanet 122, MedGen C0346010, MONDO:0800444.
17p11.2 microduplication syndrome (PTLS). Also called: CHROMOSOME 17p11.2 DUPLICATION SYNDROME; Potocki-Lupski syndrome; Duplication 17p11.2 syndrome; Potocki-Lupski syndrome (dup(17)(p11.2p11.2)). Identifiers: Orphanet 1713, MedGen C2931246, MONDO:0012574, OMIM 610883.
Colorectal cancer. Also called: Colorectal cancer, somatic; Malignant Colorectal Neoplasm. Identifiers: MedGen C0346629, MONDO:0005575, OMIM 114500.
Nonpapillary renal cell carcinoma. Identifiers: Orphanet 422526, MedGen CN074294, MONDO:0007763, OMIM 144700.
Hereditary cancer-predisposing syndrome. Also called: Neoplastic Syndromes, Hereditary; Hereditary neoplastic syndrome; Tumor predisposition; Hereditary Cancer Syndrome. Identifiers: Orphanet 140162, MedGen C0027672, MeSH D009386, MONDO:0015356.

Allele frequency attached by ClinVar (database versions not stated): gnomAD exomes below 0.00001; TOPMed 0.00001.
gnomAD v4.1: 2 of 1,612,854 alleles (0.00012%); highest among the groups gnomAD compares: Non-Finnish European, 0.00017%; no homozygotes.

Submissions (5):

Labcorp Genetics (formerly Invitae), Labcorp
Classification: Uncertain significance for Birt-Hogg-Dube syndrome. Last evaluated: 2025-12-21. Review status: criteria provided, single submitter. Criteria: Invitae Variant Classification Sherloc (09022015). Collection method: clinical testing. Allele origin: germline.
Comment: This sequence change replaces isoleucine, which is neutral and non-polar, with valine, which is neutral and non-polar, at codon 4 of the FLCN protein (p.Ile4Val). This variant is not present in population databases (gnomAD no frequency). This variant has not been reported in the literature in individuals affected with FLCN-related conditions. ClinVar contains an entry for this variant (Variation ID: 529975). Invitae Evidence Modeling of protein sequence and biophysical properties (such as structural, functional, and spatial information, amino acid conservation, physicochemical variation, residue mobility, and thermodynamic stability) indicates that this missense variant is not expected to disrupt FLCN protein function with a negative predictive value of 80%. In summary, the available evidence is currently insufficient to determine the role of this variant in disease. Therefore, it has been classified as a Variant of Uncertain Significance.

Ambry Genetics
Classification: Uncertain significance for Hereditary cancer-predisposing syndrome. Last evaluated: 2025-09-09. Review status: criteria provided, single submitter. Criteria: Ambry Variant Classification Scheme 2023. Collection method: clinical testing. Allele origin: germline.
Comment: The p.I4V variant (also known as c.10A>G), located in coding exon 1 of the FLCN gene, results from an A to G substitution at nucleotide position 10. The isoleucine at codon 4 is replaced by valine, an amino acid with highly similar properties. This amino acid position is well conserved in available vertebrate species. In addition, the in silico prediction for this alteration is inconclusive. Based on the available evidence, the clinical significance of this variant remains unclear.

Fulgent Genetics
Classification: Uncertain significance for Colorectal cancer; Birt-Hogg-Dube syndrome 1; Nonpapillary renal cell carcinoma; Familial spontaneous pneumothorax; 17p11.2 microduplication syndrome. Last evaluated: 2022-02-25. Review status: criteria provided, single submitter. Criteria: ACMG Guidelines, 2015. Collection method: clinical testing. Allele origin: unknown.

Illumina Laboratory Services, Illumina
Classification: Uncertain significance for Familial spontaneous pneumothorax. Last evaluated: 2018-01-13. Review status: criteria provided, single submitter. Criteria: ICSL Variant Classification Criteria 13 December 2019. Collection method: clinical testing. Allele origin: germline.

Illumina Laboratory Services, Illumina
Classification: Uncertain significance for Birt-Hogg-Dube syndrome 1. Last evaluated: 2018-01-13. Review status: criteria provided, single submitter. Criteria: ICSL Variant Classification Criteria 13 December 2019. Collection method: clinical testing. Allele origin: germline.

NM_144997.7(FLCN):c.10A>G (p.Ile4Val)

Gene: FLCN (folliculin; minus strand). Cytogenetic location: 17p11.2.
Variant type: single nucleotide variant.
Coding change: c.10A>G on transcript NM_144997.7 (MANE Select); coding-DNA position 10, A replaced by G.
Protein change: p.Ile4Val; replaces isoleucine 4 with valine.
Molecular consequence: missense variant.
Genome position (GRCh38, 1-based): chr17:17,228,128, T>C on the plus strand (A>G on the coding strand, the complement: FLCN is on the minus strand). VCF-style: chr17-17228128-T-C. GRCh37 (hg19) VCF-style: chr17-17131442-T-C.
Other names: c.10A>G (LRG_325t1); c.10A>G, p.Ile4Val (NM_001353229.2, NM_001353230.2, NM_001353231.2 and 1 more transcripts); short protein forms I4V.
Identifiers: ClinVar variation 529975 (VCV000529975.16), dbSNP rs1555611575, ClinGen allele CA398535516.
Genomic context (GRCh38, chr17:17,228,128, plus strand): 5'-CCTCCGTGCAGAAGAGAGTGCGGGGGCCGTGGAGCTCGCAGAAGTGGCAGAGAGCCACGA[T>C]GGCATTCATGGTGCCTTGGAGACTGCAACAGGCCTGCGTGGGACAGGGGACATGTCAGCT-3'
Protein context (NP_659434.2, residues 1-14): MNA[Ile4Val]VALCHFCELH